The following is an entry in ClinVar:

NM_001009944.3(PKD1):c.11311_11312dup (p.Ala3772fs)

Genes: PKD1 (polycystin 1, transient receptor potential channel interacting; minus strand), PKD1-AS1 (PKD1 antisense RNA 1; plus strand). Cytogenetic location: 16p13.3.
Variant type: Duplication.
Coding change: c.11311_11312dup on transcript NM_001009944.3 (MANE Select); coding-DNA positions 11311 to 11312, 2 bases duplicated (TC; older notation c.11311_11312dupTC).
Protein change: p.Ala3772fs; shifts the reading frame from alanine 3772.
Molecular consequence: frameshift variant.
Genome position (GRCh38, 1-based): chr16:2,092,146-2,092,147, GA duplicated on the plus strand (TC on the coding strand, the reverse complement: PKD1 is on the minus strand); duplicating any 2 consecutive bases within chr16:2,092,146-2,092,148 gives the same sequence; the c. name uses the placement nearest the transcript's 3' end. VCF-style (leftmost placement, unchanged base first): chr16-2092145-C-CGA. GRCh37 (hg19) VCF-style: chr16-2142146-C-CGA.
Other names: c.11308_11309dup, p.Ala3771fs (NM_000296.4); c.11312_11313insTC (NM_001009944.3); short protein forms A3771fs, A3772fs.
Identifiers: ClinVar variation 873357 (VCV000873357.1), dbSNP rs2091620763, ClinGen allele CA1139664278.

ClinVar aggregate classification (germline): Pathogenic (1 of 4 stars; one submission).

Conditions:
Polycystic kidney disease, adult type (PKD1). Also called: POLYCYSTIC KIDNEY DISEASE 1 WITH OR WITHOUT POLYCYSTIC LIVER DISEASE; Polycystic Kidney Disease 1, Autosomal Dominant; Polycystic kidney disease 1; Polycystic kidney disease 1, severe; Polycystic Kidney, Autosomal Dominant; POLYCYSTIC KIDNEY DISEASE, ADULT, TYPE I. Identifiers: MedGen C3149841, MONDO:0008263, OMIM 173900.

Submission:

Cavalleri Lab, Royal College of Surgeons in Ireland
Classification: Pathogenic for Polycystic kidney disease, adult type. Last evaluated: 2020-02-05. Review status: criteria provided, single submitter. Criteria: ACMG Guidelines, 2015. Collection method: research. Allele origin: unknown. Inheritance: Autosomal dominant inheritance. Affected: yes.
Comment: PVS1, PM2, PP4